The following is an entry in ClinVar:

NM_020458.4(TTC7A):c.8del (p.Ala3fs)

Genes: MCFD2 (multiple coagulation factor deficiency 2, ER cargo receptor complex subunit; minus strand), TTC7A (tetratricopeptide repeat domain 7A; plus strand). Cytogenetic location: 2p21.
Variant type: Deletion.
Coding change: c.8del on transcript NM_020458.4 (MANE Select); coding-DNA position 8, one base deleted (C; older notation c.8delC).
Protein change: p.Ala3fs; shifts the reading frame from alanine 3.
Molecular consequence: frameshift variant. On other transcripts: 5 prime UTR variant (1), intron variant (3).
Genome position (GRCh38, 1-based): chr2:46,941,549, C deleted. VCF-style (leftmost placement, unchanged base first): chr2-46941548-GC-G. GRCh37 (hg19) VCF-style: chr2-47168687-GC-G.
Other names: c.8del, p.Ala3fs (NM_001288951.2); c.-897del (NM_001288955.2); c.-7+23del (NM_001171508.2); c.92+23del (NM_001171511.3); c.83-8814del (NM_001288953.2); short protein forms A3fs.
Identifiers: ClinVar variation 2503811 (VCV002503811.1), dbSNP rs2466127403, ClinGen allele CA2580611625.
Genomic context (GRCh38, chr2:46,941,548, plus strand): 5'-CCGGCCGGGTCTCCACTTCTTGGCCGCACCTTCCATGACAGCGCCCGCGAGAAGATGGCT[GC>G]GAAGGGCGCGCACGGCTCCTACCTGAAGGTGGAGAGCGAGCTGGAGCGCTGCCGCGCCGA-3'

ClinVar aggregate classification (germline): Likely pathogenic (1 of 4 stars; one submission).

Conditions:
Gastrointestinal defect and immunodeficiency syndrome. Also called: Gastrointestinal defects and immunodeficiency syndrome. Identifiers: MedGen C5234880, MONDO:0030831.

Submission:

Women's Health and Genetics/Laboratory Corporation of America, LabCorp
Classification: Likely pathogenic for Gastrointestinal defect and immunodeficiency syndrome. Last evaluated: 2023-04-04. Review status: criteria provided, single submitter. Criteria: LabCorp Variant Classification Summary - May 2015. Collection method: clinical testing. Allele origin: germline.
Comment: Variant summary: TTC7A c.8delC (p.Ala3GlyfsX9) results in a premature termination codon, predicted to cause a truncation of the encoded protein or absence of the protein due to nonsense mediated decay, which are commonly known mechanisms for disease. Truncations downstream of this position have been classified as pathogenic in ClinVar database. The variant was absent in 148320 control chromosomes (gnomAD). To our knowledge, no occurrence of c.8delC in individuals affected with Gastrointestinal Defects And Immunodeficiency Syndrome and no experimental evidence demonstrating its impact on protein function have been reported. No clinical diagnostic laboratories have submitted clinical-significance assessments for this variant to ClinVar after 2014. Based on the evidence outlined above, the variant was classified as likely pathogenic.